The following is an entry in ClinVar:

ClinVar aggregate classification (germline): Likely pathogenic (1 of 4 stars; one submission).

Conditions:
Muscular dystrophy-dystroglycanopathy (congenital with impaired intellectual development), type B, 3. Also called: MUSCULAR DYSTROPHY, CONGENITAL, POMGNT1-RELATED; Muscular dystrophy-dystroglycanopathy (congenital with intellectual disability), type B3. Identifiers: MedGen C3150412, MONDO:0013155, OMIM 613151.

Submission:

Broad Center for Mendelian Genomics, Broad Institute of MIT and Harvard
Classification: Likely pathogenic for Muscular dystrophy-dystroglycanopathy (congenital with impaired intellectual development), type B, 3. Last evaluated: 2026-03-02. Review status: criteria provided, single submitter. Criteria: ACMG Guidelines, 2015. Collection method: research. Allele origin: germline. Inheritance: Autosomal recessive inheritance.
Comment: The p.Arg605Gly variant in POMGNT1 has not been previously reported in the literature in individuals with congenital muscular dystrophy-dystroglycanopathy with impaired intellectual development and was absent from large population studies. Computational prediction tools and conservation analyses suggest that this variant may impact the protein, though this information is not predictive enough to determine pathogenicity. Five additional pathogenic/likely pathogenic variants, resulting in a different amino acid change at the same position (Arg605Cys, Arg605Leu, Arg605His, Arg605Pro, Arg605Ser) have been reported in association with disease in ClinVar, supporting that a change at this position may not be tolerated (Variation ID: 290842, 844855, 56589, 3998, 1067007). In summary, although additional studies are required to fully establish its clinical significance, this variant is likely pathogenic for autosomal recessive congenital muscular dystrophy-dystroglycanopathy with impaired intellectual development. ACMG/AMP Criteria applied: PM5_strong, PP3, PM2_supporting, PM3_supporting (Richards 2015).

NM_017739.4(POMGNT1):c.1813C>G (p.Arg605Gly)

Genes: POMGNT1 (protein O-linked mannose N-acetylglucosaminyltransferase 1 (beta 1,2-); minus strand), TSPAN1 (tetraspanin 1; plus strand). Cytogenetic location: 1p34.1.
Variant type: single nucleotide variant.
Coding change: c.1813C>G on transcript NM_017739.4 (MANE Select); coding-DNA position 1813, C replaced by G.
Protein change: p.Arg605Gly; replaces arginine 605 with glycine.
Molecular consequence: missense variant.
Genome position (GRCh38, 1-based): chr1:46,189,540, G>C on the plus strand (C>G on the coding strand, the complement: POMGNT1 is on the minus strand). VCF-style: chr1-46189540-G-C. GRCh37 (hg19) VCF-style: chr1-46655212-G-C.
Other names: NM_017739.4:c.1813C>G; c.1813C>G, p.Arg605Gly (NM_001243766.2, NM_001410783.1, NM_001437653.1 and 3 more transcripts); c.1747C>G, p.Arg583Gly (NM_001290129.3, NM_001438691.1, NM_001438692.1); c.1384C>G, p.Arg462Gly (NM_001290130.2); short protein forms R462G, R583G, R605G.
Identifiers: ClinVar variation 4819453 (VCV004819453.1).